The following is an entry in ClinVar:

NM_133433.4(NIPBL):c.8049+1G>A

Gene: NIPBL (NIPBL cohesin loading factor; plus strand). Cytogenetic location: 5p13.2.
Variant type: single nucleotide variant.
Coding change: c.8049+1G>A on transcript NM_133433.4 (MANE Select); the canonical splice donor site of the intron after coding-DNA position 8049, G replaced by A.
Molecular consequence: splice donor variant. On other transcripts: missense variant (1).
Genome position (GRCh38, 1-based): chr5:37,063,979, G>A. VCF-style: chr5-37063979-G-A. GRCh37 (hg19) VCF-style: chr5-37064081-G-A.
Other names: c.8050G>A, p.Val2684Met (NM_015384.5); short protein forms V2684M.
Identifiers: ClinVar variation 2745517 (VCV002745517.3), dbSNP rs2478759512, ClinGen allele CA359520883.

ClinVar aggregate classification (germline): Pathogenic (1 of 4 stars; one submission).

Conditions:
Cornelia de Lange syndrome 1 (CDLS1). Also called: Brachmann de Lange syndrome; TYPUS DEGENERATIVUS AMSTELODAMENSIS; NIPBL-Related Cornelia de Lange Syndrome. Identifiers: Orphanet 199, MedGen C4551851, MONDO:0007387, OMIM 122470.

Submission:

Labcorp Genetics (formerly Invitae), Labcorp
Classification: Pathogenic for Cornelia de Lange syndrome 1. Last evaluated: 2023-07-20. Review status: criteria provided, single submitter. Criteria: Invitae Variant Classification Sherloc (09022015). Collection method: clinical testing. Allele origin: germline.
Comment: For these reasons, this variant has been classified as Pathogenic. This variant disrupts a region of the NIPBL protein in which other variant(s) (p.Leu2778*) have been determined to be pathogenic (Invitae). This suggests that this is a clinically significant region of the protein, and that variants that disrupt it are likely to be disease-causing. Variants that disrupt the consensus splice site are a relatively common cause of aberrant splicing (PMID: 17576681, 9536098). Algorithms developed to predict the effect of sequence changes on RNA splicing suggest that this variant may disrupt the consensus splice site. This variant has not been reported in the literature in individuals affected with NIPBL-related conditions. This variant is not present in population databases (gnomAD no frequency). This sequence change affects a donor splice site in intron 46 of the NIPBL gene. While this variant is not anticipated to result in nonsense mediated decay, it likely alters RNA splicing and results in a disrupted protein product.

Literature cited by the submitters: PubMed 17576681; PubMed 9536098.